The following is an entry in ClinVar:

NM_014363.6(SACS):c.9403T>C (p.Leu3135=)

Gene: SACS (sacsin molecular chaperone; minus strand). Cytogenetic location: 13q12.12.
Variant type: single nucleotide variant.
Coding change: c.9403T>C on transcript NM_014363.6 (MANE Select); coding-DNA position 9403, T replaced by C.
Protein change: p.Leu3135=; no amino-acid change (leucine 3135 retained).
Molecular consequence: synonymous variant.
Genome position (GRCh38, 1-based): chr13:23,334,473, A>G on the plus strand (T>C on the coding strand, the complement: SACS is on the minus strand). VCF-style: chr13-23334473-A-G. GRCh37 (hg19) VCF-style: chr13-23908612-A-G.
Other names: c.8962T>C, p.Leu2988= (NM_001278055.2); c.9403T>C (NM_014363.5).
Identifiers: ClinVar variation 1114092 (VCV001114092.12), dbSNP rs867103476, ClinGen allele CA246653344.

ClinVar aggregate classification (germline): Likely benign. Review status: criteria provided, multiple submitters, no conflicts (2 of 4 stars). 3 submissions from 3 submitters: Likely benign (2). 1 of the submissions does not count toward it. Last evaluated 2024-10-16.

Conditions:
SACS-related disorder. Also called: SACS-related condition.
Spastic paraplegia. Identifiers: MedGen C0037772, HP:0001258.

Allele frequency attached by ClinVar (database versions not stated): gnomAD 0.00001.
gnomAD v4.1: 24 of 1,612,814 alleles (0.0015%); highest among the groups gnomAD compares: Middle Eastern, 0.36%; no homozygotes.

Submissions (3):

Blueprint Genetics
Classification: Likely benign. Last evaluated: 2024-10-16. Review status: criteria provided, single submitter. Criteria: ACMG Guidelines, 2015. Collection method: clinical testing. Allele origin: germline.

Labcorp Genetics (formerly Invitae), Labcorp
Classification: Likely benign for Spastic paraplegia. Last evaluated: 2024-05-02. Review status: criteria provided, single submitter. Criteria: Invitae Variant Classification Sherloc (09022015). Collection method: clinical testing. Allele origin: germline.

PreventionGenetics, part of Exact Sciences
Classification: Likely benign for SACS-related condition. Last evaluated: 2019-07-12. Review status: no assertion criteria provided. Collection method: clinical testing. Allele origin: germline. Not counted in ClinVar's aggregate classification.
Comment: This variant is classified as likely benign based on ACMG/AMP sequence variant interpretation guidelines (Richards et al. 2015 PMID: 25741868, with internal and published modifications).